The following is an entry in ClinVar:

ClinVar aggregate classification (germline): Benign. Review status: criteria provided, multiple submitters, no conflicts (2 of 4 stars). 3 submissions from 3 submitters: Benign (3). Last evaluated 2026-05-01.

Allele frequency attached by ClinVar (database versions not stated): ESP Exome Variant Server 0.00015; gnomAD exomes 0.00075 and 0.00159; ExAC 0.00111; gnomAD 0.00173 and 0.00190; TOPMed 0.00312; 1000 Genomes Project 30x 0.00531; 1000 Genomes Project 0.00559.
gnomAD v4.1: 1,393 of 1,612,954 alleles (0.086%); highest among the groups gnomAD compares: Admixed American, 1.3%; 17 homozygotes.

Submissions (3):

CeGaT Center for Human Genetics Tuebingen
Classification: Benign. Last evaluated: 2026-05-01. Review status: criteria provided, single submitter. Criteria: CeGaT Center For Human Genetics Tuebingen Variant Classification Criteria Version 2. Collection method: clinical testing. Allele origin: germline. Affected: yes. Observed: 1 variant allele.
Comment: TSPOAP1: BP4, BP7, BS1, BS2

Labcorp Genetics (formerly Invitae), Labcorp
Classification: Benign. Last evaluated: 2018-07-31. Review status: criteria provided, single submitter. Criteria: Invitae Variant Classification Sherloc (09022015). Collection method: clinical testing. Allele origin: germline.

Breakthrough Genomics
Classification: Benign. Review status: criteria provided, single submitter. Criteria: ACMG Guidelines, 2015. Collection method: not provided. Allele origin: germline. Inheritance: Unknown mechanism. Affected: yes.

NM_004758.4(TSPOAP1):c.1212G>A (p.Ala404=)

Gene: TSPOAP1 (TSPO associated protein 1; minus strand). Cytogenetic location: 17q22.
Variant type: single nucleotide variant.
Coding change: c.1212G>A on transcript NM_004758.4 (MANE Select); coding-DNA position 1212, G replaced by A.
Protein change: p.Ala404=; no amino-acid change (alanine 404 retained).
Molecular consequence: synonymous variant.
Genome position (GRCh38, 1-based): chr17:58,322,759, C>T on the plus strand (G>A on the coding strand, the complement: TSPOAP1 is on the minus strand). VCF-style: chr17-58322759-C-T. GRCh37 (hg19) VCF-style: chr17-56400120-C-T.
Other names: c.1212G>A, p.Ala404= (NM_001261835.2); c.1032G>A, p.Ala344= (NM_024418.3).
Identifiers: ClinVar variation 731892 (VCV000731892.6), dbSNP rs77972524, ClinGen allele CA8672406.